The following is an entry in ClinVar:

NM_000553.6(WRN):c.259C>G (p.Pro87Ala)

Gene: WRN (WRN RecQ like helicase; plus strand). Cytogenetic location: 8p12.
Variant type: single nucleotide variant.
Coding change: c.259C>G on transcript NM_000553.6 (MANE Select); coding-DNA position 259, C replaced by G.
Protein change: p.Pro87Ala; replaces proline 87 with alanine.
Molecular consequence: missense variant.
Genome position (GRCh38, 1-based): chr8:31,064,338, C>G. VCF-style: chr8-31064338-C-G. GRCh37 (hg19) VCF-style: chr8-30921854-C-G.
Other names: short protein forms P87A.
Identifiers: ClinVar variation 836221 (VCV000836221.2), dbSNP rs1207207781, ClinGen allele CA370914077.
Genomic context (GRCh38, chr8:31,064,338, plus strand): 5'-TCTCACTTTAGCATGAGTCTATCAGATGGGGATGTGGTGGGATTTGACATGGAGTGGCCA[C>G]CATTATACAATAGAGGGAAACTTGGCAAAGTTGCACTAATTCAGTTGTGTGTTTCTGAGA-3'
Protein context (NP_000544.2, residues 77-97): DVVGFDMEWP[Pro87Ala]LYNRGKLGKV

ClinVar aggregate classification (germline): Uncertain significance (1 of 4 stars; one submission).

Conditions:
Werner syndrome (WRN). Identifiers: Orphanet 902, MedGen C0043119, MONDO:0010196, OMIM 277700.

Allele frequency attached by ClinVar (database versions not stated): TOPMed 0.00001.

Submission:

Labcorp Genetics (formerly Invitae), Labcorp
Classification: Uncertain significance for Werner syndrome. Last evaluated: 2019-02-26. Review status: criteria provided, single submitter. Criteria: Invitae Variant Classification Sherloc (09022015). Collection method: clinical testing. Allele origin: germline.
Comment: This sequence change replaces proline with alanine at codon 87 of the WRN protein (p.Pro87Ala). The proline residue is moderately conserved and there is a small physicochemical difference between proline and alanine. This variant is not present in population databases (ExAC no frequency). This variant has not been reported in the literature in individuals with WRN-related conditions. Algorithms developed to predict the effect of missense changes on protein structure and function are either unavailable or do not agree on the potential impact of this missense change (SIFT: Tolerated; PolyPhen-2: Probably Damaging; Align-GVGD: Class C0). In summary, the available evidence is currently insufficient to determine the role of this variant in disease. Therefore, it has been classified as a Variant of Uncertain Significance.